The following is an entry in ClinVar:

ClinVar aggregate classification (germline): Benign. Review status: criteria provided, multiple submitters, no conflicts (2 of 4 stars). 9 submissions from 9 submitters: Benign (9). Last evaluated 2026-02-04.

Conditions:
Inborn genetic diseases. Identifiers: MedGen C0950123, MeSH D030342.
Developmental and epileptic encephalopathy 94 (DEE94). Also called: Epileptic encephalopathy, childhood-onset; CHD2-Related Neurodevelopmental Disorders. Identifiers: Orphanet 1942, Orphanet 2382, MedGen C3809278, MONDO:0014150, OMIM 615369.

Allele frequency attached by ClinVar (database versions not stated): 1000 Genomes Project 30x 0.18410; 1000 Genomes Project 0.18650; TOPMed 0.27794; gnomAD 0.28040 and 0.28315; gnomAD exomes 0.29457; ExAC 0.29462; ESP Exome Variant Server 0.31468.
gnomAD v4.1: 570,837 of 1,613,926 alleles (35%); highest among the groups gnomAD compares: Middle Eastern, 42%; 108,098 homozygotes.

Submissions (9):

Labcorp Genetics (formerly Invitae), Labcorp
Classification: Benign for Developmental and epileptic encephalopathy 94. Last evaluated: 2026-02-04. Review status: criteria provided, single submitter. Criteria: Invitae Variant Classification Sherloc (09022015). Collection method: clinical testing. Allele origin: germline.

Unidad de Genómica Garrahan, Hospital de Pediatría Garrahan
Classification: Benign. Last evaluated: 2024-07-15. Review status: criteria provided, single submitter. Criteria: ACMG Guidelines, 2015. Collection method: clinical testing. Allele origin: germline. Affected: no. Observed: 43 variant alleles.
Comment: This variant is classified as Benign based on local population frequency. This variant was detected in 46% of patients studied in a panel designed for Epileptic and Developmental Encephalopathy and Progressive Myoclonus Epilepsy. Number of patients: 43. Only high quality variants are reported.

Genome-Nilou Lab
Classification: Benign for Developmental and epileptic encephalopathy 94. Last evaluated: 2021-07-22. Review status: criteria provided, single submitter. Criteria: ACMG Guidelines, 2015. Collection method: clinical testing. Allele origin: germline. Affected: no.

Mayo Clinic Laboratories, Mayo Clinic
Classification: Benign. Last evaluated: 2018-04-02. Review status: criteria provided, single submitter. Criteria: ACMG Guidelines, 2015. Collection method: clinical testing. Allele origin: germline. Observed: 304 variant alleles.

Athena Diagnostics
Classification: Benign. Last evaluated: 2017-04-20. Review status: criteria provided, single submitter. Criteria: Athena Diagnostics Criteria. Collection method: clinical testing. Allele origin: germline.

Ambry Genetics
Classification: Benign for Inborn genetic diseases. Last evaluated: 2016-01-08. Review status: criteria provided, single submitter. Criteria: Ambry Variant Classification Scheme 2023. Collection method: clinical testing. Allele origin: germline.

GeneDx
Classification: Benign. Last evaluated: 2016-01-07. Review status: criteria provided, single submitter. Criteria: GeneDx Variant Classification (06012015). Collection method: clinical testing. Allele origin: germline. Affected: yes.
Comment: This variant is considered likely benign or benign based on one or more of the following criteria: it is a conservative change, it occurs at a poorly conserved position in the protein, it is predicted to be benign by multiple in silico algorithms, and/or has population frequency not consistent with disease.

Breakthrough Genomics
Classification: Benign. Review status: criteria provided, single submitter. Criteria: ACMG Guidelines, 2015. Collection method: not provided. Allele origin: germline. Inheritance: Autosomal dominant inheritance. Affected: yes.

PreventionGenetics, part of Exact Sciences
Classification: Benign. Review status: criteria provided, single submitter. Criteria: ACMG Guidelines, 2015. Collection method: clinical testing. Allele origin: germline.

NM_001271.4(CHD2):c.5416A>C (p.Arg1806=)

Gene: CHD2 (chromodomain helicase DNA binding protein 2; plus strand). Cytogenetic location: 15q26.1.
Variant type: single nucleotide variant.
Coding change: c.5416A>C on transcript NM_001271.4 (MANE Select); coding-DNA position 5416, A replaced by C.
Protein change: p.Arg1806=; no amino-acid change (arginine 1806 retained).
Molecular consequence: synonymous variant.
Genome position (GRCh38, 1-based): chr15:93,024,634, A>C. VCF-style: chr15-93024634-A-C. GRCh37 (hg19) VCF-style: chr15-93567864-A-C.
Other names: p.Arg1806=.
Identifiers: ClinVar variation 257713 (VCV000257713.22), dbSNP rs12906163, ClinGen allele CA7748741.
Genomic context (GRCh38, chr15:93,024,634, plus strand): 5'-GATCCTCGCTCACCCCCTTCTCAGAAATCTCCTCACGATTCCAAGTCACCCCTGGATCAT[A>C]GGTCTCCTTTGGAGAGATCACTAGAACAGAAAAACAACCCAGATTATAACTGGAATGTTC-3'
Protein context (NP_001262.3, residues 1796-1816): PHDSKSPLDH[Arg1806=]SPLERSLEQK